The following is an entry in ClinVar:

NM_002691.4(POLD1):c.2954-11_2954-9del

Gene: POLD1 (DNA polymerase delta 1, catalytic subunit; plus strand). Cytogenetic location: 19q13.33.
Variant type: Microsatellite.
Coding change: c.2954-11_2954-9del on transcript NM_002691.4 (MANE Select); 11 bases into the intron before coding-DNA position 2954 through 9 bases into the intron before coding-DNA position 2954, 3 bases deleted (CTC; older notation c.2954-11_2954-9delCTC).
Molecular consequence: intron variant.
Genome position (GRCh38, 1-based): chr19:50,416,599-50,416,601, CTC deleted; deleting any 3 consecutive bases within chr19:50,416,595-50,416,601 gives the same sequence; the c. name uses the placement nearest the transcript's 3' end. VCF-style (leftmost placement, unchanged base first): chr19-50416594-GCCT-G. GRCh37 (hg19) VCF-style: chr19-50919851-GCCT-G.
Other names: c.2954-11_2954-9delCTC (NM_002691.3); c.2954-11_2954-9del (NM_001256849.1); c.3032-11_3032-9del (NM_001308632.1).
Identifiers: ClinVar variation 422915 (VCV000422915.8), dbSNP rs1064796089, ClinGen allele CA16620901.
Genomic context (GRCh38, chr19:50,416,594, plus strand): 5'-GGGGCACCAGGGGACTGGGGGCACCCTGGGGGGGCAGAGGAGATCACCGGCCCACCACCT[GCCT>G]CCTCTCCTGCAGGGGGGGACCACACGCGCTGCAAGACGGTGCTCACGGGCAAGGTGGGCG-3'

ClinVar aggregate classification (germline): Likely benign. Review status: criteria provided, multiple submitters, no conflicts (2 of 4 stars). 2 submissions from 2 submitters: Likely benign (2). Last evaluated 2025-05-27.

Conditions:
POLD1-related polyposis and colorectal cancer syndrome (CRCS10). Also called: Colorectal cancer 10; COLORECTAL CANCER, SUSCEPTIBILITY TO, ON CHROMOSOME 19q; Colorectal cancer, susceptibility to, 10. Identifiers: Orphanet 220460, MedGen C2675481, MONDO:0012953, OMIM 612591.

Submissions (2):

Labcorp Genetics (formerly Invitae), Labcorp
Classification: Likely benign for POLD1-related polyposis and colorectal cancer syndrome. Last evaluated: 2025-05-27. Review status: criteria provided, single submitter. Criteria: Invitae Variant Classification Sherloc (09022015). Collection method: clinical testing. Allele origin: germline.

GeneDx
Classification: Likely benign. Last evaluated: 2016-12-23. Review status: criteria provided, single submitter. Criteria: GeneDx Variant Classification (06012015). Collection method: clinical testing. Allele origin: germline. Affected: yes.
Comment: This variant is considered likely benign or benign based on one or more of the following criteria: it is a conservative change, it occurs at a poorly conserved position in the protein, it is predicted to be benign by multiple in silico algorithms, and/or has population frequency not consistent with disease.